The following is an entry in ClinVar:

NM_032603.5(LOXL3):c.2012G>A (p.Arg671Gln)

Gene: LOXL3 (lysyl oxidase like 3; minus strand). Cytogenetic location: 2p13.1.
Variant type: single nucleotide variant.
Coding change: c.2012G>A on transcript NM_032603.5 (MANE Select); coding-DNA position 2012, G replaced by A.
Protein change: p.Arg671Gln; replaces arginine 671 with glutamine.
Molecular consequence: missense variant.
Genome position (GRCh38, 1-based): chr2:74,534,164, C>T on the plus strand (G>A on the coding strand, the complement: LOXL3 is on the minus strand). VCF-style: chr2-74534164-C-T. GRCh37 (hg19) VCF-style: chr2-74761291-C-T.
Other names: c.1577G>A, p.Arg526Gln (NM_001289164.3); c.929G>A, p.Arg310Gln (NM_001289165.2); c.2012G>A (NM_032603.2); short protein forms R310Q, R526Q, R671Q.
Identifiers: ClinVar variation 3625428 (VCV003625428.3).

ClinVar aggregate classification (germline): Uncertain significance. Review status: criteria provided, multiple submitters, no conflicts (2 of 4 stars). 2 submissions from 2 submitters: Uncertain significance (2). Last evaluated 2025-04-05.

Submissions (2):

Ambry Genetics
Classification: Uncertain significance. Last evaluated: 2025-04-05. Review status: criteria provided, single submitter. Criteria: Ambry Variant Classification Scheme 2023. Collection method: clinical testing. Allele origin: germline.

Labcorp Genetics (formerly Invitae), Labcorp
Classification: Uncertain significance. Last evaluated: 2025-01-06. Review status: criteria provided, single submitter. Criteria: Invitae Variant Classification Sherloc (09022015). Collection method: clinical testing. Allele origin: germline.
Comment: This sequence change replaces arginine, which is basic and polar, with glutamine, which is neutral and polar, at codon 671 of the LOXL3 protein (p.Arg671Gln). This variant is present in population databases (rs756702540, gnomAD 0.03%). This variant has not been reported in the literature in individuals affected with LOXL3-related conditions. An algorithm developed to predict the effect of missense changes on protein structure and function (PolyPhen-2) suggests that this variant is likely to be disruptive. In summary, the available evidence is currently insufficient to determine the role of this variant in disease. Therefore, it has been classified as a Variant of Uncertain Significance.